The following is an entry in ClinVar:

ClinVar aggregate classification (germline): Uncertain significance (1 of 4 stars; one submission).

Conditions:
RASopathy. Also called: rasopathies; Noonan spectrum disorder. Identifiers: Orphanet 536391, MedGen C5555857, MONDO:0021060.

Submission:

Labcorp Genetics (formerly Invitae), Labcorp
Classification: Uncertain significance for RASopathy. Last evaluated: 2022-11-16. Review status: criteria provided, single submitter. Criteria: Invitae Variant Classification Sherloc (09022015). Collection method: clinical testing. Allele origin: germline.
Comment: In summary, the available evidence is currently insufficient to determine the role of this variant in disease. Therefore, it has been classified as a Variant of Uncertain Significance. Advanced modeling of protein sequence and biophysical properties (such as structural, functional, and spatial information, amino acid conservation, physicochemical variation, residue mobility, and thermodynamic stability) performed at Invitae indicates that this missense variant is not expected to disrupt SOS1 protein function. This variant has not been reported in the literature in individuals affected with SOS1-related conditions. This variant is not present in population databases (gnomAD no frequency). This sequence change replaces lysine, which is basic and polar, with glutamic acid, which is acidic and polar, at codon 1240 of the SOS1 protein (p.Lys1240Glu).

NM_005633.4(SOS1):c.3718A>G (p.Lys1240Glu)

Gene: SOS1 (SOS Ras/Rac guanine nucleotide exchange factor 1; minus strand). Cytogenetic location: 2p22.1.
Variant type: single nucleotide variant.
Coding change: c.3718A>G on transcript NM_005633.4 (MANE Select); coding-DNA position 3718, A replaced by G.
Protein change: p.Lys1240Glu; replaces lysine 1240 with glutamic acid.
Molecular consequence: missense variant.
Genome position (GRCh38, 1-based): chr2:38,986,108, T>C on the plus strand (A>G on the coding strand, the complement: SOS1 is on the minus strand). VCF-style: chr2-38986108-T-C. GRCh37 (hg19) VCF-style: chr2-39213249-T-C.
Other names: c.3697A>G, p.Lys1233Glu (NM_001382394.1); c.3673A>G, p.Lys1225Glu (NM_001382395.1); short protein forms K1240E, K1225E, K1233E.
Identifiers: ClinVar variation 2728825 (VCV002728825.3), dbSNP rs2528871288, ClinGen allele CA346362463.
Genomic context (GRCh38, chr2:38,986,108, plus strand): 5'-GAGGTGGTGTAAAGGGGGAAGGGCTGTTTGGGAAGAAGGCATTGCCATGGTCACTTTTTT[T>C]GCCCAAAGGGGGAGGTTGGAGATGTAGTGGTGAGCTTGAGAAAACATCAGGTGTCCTCAC-3'
Protein context (NP_005624.2, residues 1230-1250): PLHLQPPPLG[Lys1240Glu]KSDHGNAFFP